The following is an entry in ClinVar:

NM_006073.4(TRDN):c.1322-10T>A

Gene: TRDN (triadin; minus strand). Cytogenetic location: 6q22.31.
Variant type: single nucleotide variant.
Coding change: c.1322-10T>A on transcript NM_006073.4 (MANE Select); 10 bases into the intron before coding-DNA position 1322, T replaced by A.
Molecular consequence: intron variant.
Genome position (GRCh38, 1-based): chr6:123,352,596, A>T on the plus strand (T>A on the coding strand, the complement: TRDN is on the minus strand). VCF-style: chr6-123352596-A-T. GRCh37 (hg19) VCF-style: chr6-123673741-A-T.
Other names: c.1325-10T>A (NM_001251987.2).
Identifiers: ClinVar variation 463666 (VCV000463666.7), dbSNP rs764565579, ClinGen allele CA3983990.

ClinVar aggregate classification (germline): Uncertain significance. Review status: criteria provided, multiple submitters, no conflicts (2 of 4 stars). 3 submissions from 3 submitters: Uncertain significance (3). Last evaluated 2026-03-27.

Conditions:
Cardiovascular phenotype. Identifiers: MedGen CN230736.
Catecholaminergic polymorphic ventricular tachycardia 1. Also called: VENTRICULAR TACHYCARDIA, CATECHOLAMINERGIC POLYMORPHIC, 1, WITH OR WITHOUT ATRIAL DYSFUNCTION AND/OR DILATED CARDIOMYOPATHY; RYR2-Related Catecholaminergic Polymorphic Ventricular Tachycardia; VENTRICULAR TACHYCARDIA, STRESS-INDUCED POLYMORPHIC 1. Identifiers: Orphanet 3286, MedGen C1631597, MONDO:0011484, OMIM 604772.

Allele frequency attached by ClinVar (database versions not stated): gnomAD exomes 0.00002 and 0.00007; ExAC 0.00003; gnomAD 0.00003 and 0.00004.
gnomAD v4.1: 99 of 1,609,540 alleles (0.0062%); highest among the groups gnomAD compares: Non-Finnish European, 0.008%; no homozygotes.

Submissions (3):

Molecular Diagnostic Laboratory for Inherited Cardiovascular Disease, Montreal Heart Institute
Classification: Uncertain significance for Cardiovascular phenotype. Last evaluated: 2026-03-27. Review status: criteria provided, single submitter. Criteria: ACMG Guidelines, 2015. Collection method: clinical testing. Allele origin: germline. Affected: yes.
Comment: PVS1_mod, PM2

Blueprint Genetics
Classification: Uncertain significance. Last evaluated: 2024-09-14. Review status: criteria provided, single submitter. Criteria: ACMG Guidelines, 2015. Collection method: clinical testing. Allele origin: germline.

Labcorp Genetics (formerly Invitae), Labcorp
Classification: Uncertain significance for Catecholaminergic polymorphic ventricular tachycardia 1. Last evaluated: 2022-08-28. Review status: criteria provided, single submitter. Criteria: Invitae Variant Classification Sherloc (09022015). Collection method: clinical testing. Allele origin: germline.
Comment: This sequence change falls in intron 20 of the TRDN gene. It does not directly change the encoded amino acid sequence of the TRDN protein. This variant is present in population databases (rs764565579, gnomAD 0.006%). This variant has not been reported in the literature in individuals affected with TRDN-related conditions. ClinVar contains an entry for this variant (Variation ID: 463666). Algorithms developed to predict the effect of sequence changes on RNA splicing suggest that this variant may disrupt the consensus splice site. In summary, the available evidence is currently insufficient to determine the role of this variant in disease. Therefore, it has been classified as a Variant of Uncertain Significance.